The following is an entry in ClinVar:

NM_014845.6(FIG4):c.290-1G>C

Gene: FIG4 (FIG4 phosphoinositide 5-phosphatase; plus strand). Cytogenetic location: 6q21.
Variant type: single nucleotide variant.
Coding change: c.290-1G>C on transcript NM_014845.6 (MANE Select); the canonical splice acceptor site of the intron before coding-DNA position 290, G replaced by C.
Molecular consequence: splice acceptor variant.
Genome position (GRCh38, 1-based): chr6:109,727,108, G>C. VCF-style: chr6-109727108-G-C. GRCh37 (hg19) VCF-style: chr6-110048311-G-C.
Identifiers: ClinVar variation 3671158 (VCV003671158.2).
Genomic context (GRCh38, chr6:109,727,108, plus strand): 5'-GGCATCTAAAAGCCATTACTAAGTTTATAAAGCATATTTCTCTTTATTTTTTGTTGCATA[G>C]GTTTTGTCAGGTTCTTAGAAGGCTATTATATTGTGTTAATAACTAAAAGGAGGAAGATGG-3'

ClinVar aggregate classification (germline): Likely pathogenic (1 of 4 stars; one submission).

Conditions:
Charcot-Marie-Tooth disease type 4. Also called: Charcot-Marie-Tooth, Type 4; Charcot-Marie-Tooth disease, type IV. Identifiers: Orphanet 64749, MedGen C4082197, MONDO:0018995.

gnomAD v4.1: 1 of 1,607,146 alleles (0.000062%); highest among the groups gnomAD compares: African/African-American, 0.0013%; no homozygotes.

Submission:

Labcorp Genetics (formerly Invitae), Labcorp
Classification: Likely pathogenic for Charcot-Marie-Tooth disease type 4. Last evaluated: 2024-05-15. Review status: criteria provided, single submitter. Criteria: Invitae Variant Classification Sherloc (09022015). Collection method: clinical testing. Allele origin: germline.
Comment: This sequence change affects an acceptor splice site in intron 3 of the FIG4 gene. It is expected to disrupt RNA splicing. Variants that disrupt the donor or acceptor splice site typically lead to a loss of protein function (PMID: 16199547), and loss-of-function variants in FIG4 are known to be pathogenic (PMID: 23623387, 30740813). This variant is not present in population databases (gnomAD no frequency). This variant has not been reported in the literature in individuals affected with FIG4-related conditions. Algorithms developed to predict the effect of sequence changes on RNA splicing suggest that this variant may disrupt the consensus splice site. In summary, the currently available evidence indicates that the variant is pathogenic, but additional data are needed to prove that conclusively. Therefore, this variant has been classified as Likely Pathogenic.

Literature cited by the submitters: PubMed 16199547; PubMed 23623387; PubMed 30740813.